The following is an entry in ClinVar:

NM_000059.4(BRCA2):c.8135A>C (p.Asp2712Ala)

Gene: BRCA2 (BRCA2 DNA repair associated; plus strand). Cytogenetic location: 13q13.1.
Variant type: single nucleotide variant.
Coding change: c.8135A>C on transcript NM_000059.4 (MANE Select); coding-DNA position 8135, A replaced by C.
Protein change: p.Asp2712Ala; replaces aspartic acid 2712 with alanine.
Molecular consequence: missense variant.
Genome position (GRCh38, 1-based): chr13:32,363,337, A>C. VCF-style: chr13-32363337-A-C. GRCh37 (hg19) VCF-style: chr13-32937474-A-C.
Other names: short protein forms D2712A.
Identifiers: ClinVar variation 531357 (VCV000531357.9), dbSNP rs80359057, ClinGen allele CA387749455.

ClinVar aggregate classification (germline): Uncertain significance (1 of 4 stars; one submission).

Conditions:
Hereditary breast ovarian cancer syndrome. Also called: Hereditary breast and ovarian cancer syndrome (HBOC); BRCA1- and BRCA2-Associated Hereditary Breast and Ovarian Cancer; Hereditary breast and ovarian cancer syndrome; Breast and ovarian cancer; Hereditary breast and ovarian cancer; Hereditary breast and/or ovarian cancer syndrome. Identifiers: Orphanet 145, MedGen C0677776, MeSH D061325, MONDO:0003582. Disease mechanism: loss of function.

gnomAD v4.1: 1 of 1,614,196 alleles (0.000062%); highest among the groups gnomAD compares: Non-Finnish European, 0.000085%; no homozygotes.

Submission:

Labcorp Genetics (formerly Invitae), Labcorp
Classification: Uncertain significance for Hereditary breast ovarian cancer syndrome. Last evaluated: 2017-12-18. Review status: criteria provided, single submitter. Criteria: Invitae Variant Classification Sherloc (09022015). Collection method: clinical testing. Allele origin: germline.
Comment: This sequence change replaces aspartic acid with alanine at codon 2712 of the BRCA2 protein (p.Asp2712Ala). The aspartic acid residue is weakly conserved and there is a moderate physicochemical difference between aspartic acid and alanine. In summary, the available evidence is currently insufficient to determine the role of this variant in disease. Therefore, it has been classified as a Variant of Uncertain Significance. Algorithms developed to predict the effect of missense changes on protein structure and function do not agree on the potential impact of this missense change (SIFT: "Tolerated"; PolyPhen-2: "Possibly Damaging"; Align-GVGD: "Class C0"). This variant has not been reported in the literature in individuals with BRCA2-related disease. This variant is not present in population databases (ExAC no frequency).